The following is an entry in ClinVar:

NM_001289104.2(PRKCSH):c.1092G>A (p.Pro364=)

Gene: PRKCSH (PRKCSH beta subunit of glucosidase II; plus strand). Cytogenetic location: 19p13.2.
Variant type: single nucleotide variant.
Coding change: c.1092G>A on transcript NM_001289104.2 (MANE Select); coding-DNA position 1092, G replaced by A.
Protein change: p.Pro364=; no amino-acid change (proline 364 retained).
Molecular consequence: synonymous variant.
Genome position (GRCh38, 1-based): chr19:11,447,755, G>A. VCF-style: chr19-11447755-G-A. GRCh37 (hg19) VCF-style: chr19-11558570-G-A.
Other names: c.1062G>A, p.Pro354= (NM_001001329.3, NM_001289102.2, NM_001379609.1); c.1092G>A, p.Pro364= (NM_001289103.2); c.1071G>A, p.Pro357= (NM_001379608.1, NM_002743.3).
Identifiers: ClinVar variation 328189 (VCV000328189.16), dbSNP rs142347308, ClinGen allele CA9213143.

ClinVar aggregate classification (germline): Benign/Likely benign. Review status: criteria provided, multiple submitters, no conflicts (2 of 4 stars). 5 submissions from 5 submitters: Benign (3); Likely benign (2). Last evaluated 2025-12-09.

Conditions:
Polycystic liver disease 1 (PCLD1). Also called: Polycystic liver disease 1 with or without kidney cysts. Identifiers: Orphanet 2924, MedGen C0887850, MONDO:0008265, OMIM 174050.

Allele frequency attached by ClinVar (database versions not stated): gnomAD exomes 0.00045 and 0.00097; gnomAD 0.00062 and 0.00066; TOPMed 0.00063; ESP Exome Variant Server 0.00069; ExAC 0.00097.
gnomAD v4.1: 1,473 of 1,594,316 alleles (0.092%); highest among the groups gnomAD compares: Non-Finnish European, 0.12%; 1 homozygote.

Submissions (5):

Labcorp Genetics (formerly Invitae), Labcorp
Classification: Benign. Last evaluated: 2025-12-09. Review status: criteria provided, single submitter. Criteria: Invitae Variant Classification Sherloc (09022015). Collection method: clinical testing. Allele origin: germline.

Blueprint Genetics
Classification: Likely benign. Last evaluated: 2024-10-09. Review status: criteria provided, single submitter. Criteria: ACMG Guidelines, 2015. Collection method: clinical testing. Allele origin: germline.

Fulgent Genetics
Classification: Likely benign for Polycystic liver disease 1. Last evaluated: 2021-07-26. Review status: criteria provided, single submitter. Criteria: ACMG Guidelines, 2015. Collection method: clinical testing. Allele origin: unknown.

Illumina Laboratory Services, Illumina
Classification: Benign for Polycystic liver disease 1. Last evaluated: 2018-01-13. Review status: criteria provided, single submitter. Criteria: ICSL Variant Classification Criteria 13 December 2019. Collection method: clinical testing. Allele origin: germline.
Comment: This variant was observed in the ICSL laboratory as part of a predisposition screen in an ostensibly healthy population. It had not been previously curated by ICSL or reported in the Human Gene Mutation Database (HGMD: prior to June 1st, 2018), and was therefore a candidate for classification through an automated scoring system. Utilizing variant allele frequency, disease prevalence and penetrance estimates, and inheritance mode, an automated score was calculated to assess if this variant is too frequent to cause the disease. Based on the score and internal cut-off values, a variant classified as benign is not then subjected to further curation. The score for this variant resulted in a classification of benign for this disease.

Breakthrough Genomics
Classification: Benign. Review status: criteria provided, single submitter. Criteria: ACMG Guidelines, 2015. Collection method: not provided. Allele origin: germline. Inheritance: Autosomal dominant inheritance. Affected: yes.